The following is an entry in ClinVar:

NM_000059.4(BRCA2):c.1600G>A (p.Glu534Lys)

Gene: BRCA2 (BRCA2 DNA repair associated; plus strand). Cytogenetic location: 13q13.1.
Variant type: single nucleotide variant.
Coding change: c.1600G>A on transcript NM_000059.4 (MANE Select); coding-DNA position 1600, G replaced by A.
Protein change: p.Glu534Lys; replaces glutamic acid 534 with lysine.
Molecular consequence: missense variant.
Genome position (GRCh38, 1-based): chr13:32,333,078, G>A. VCF-style: chr13-32333078-G-A. GRCh37 (hg19) VCF-style: chr13-32907215-G-A.
Other names: 1828G>A; short protein forms E534K.
Identifiers: ClinVar variation 37749 (VCV000037749.32), dbSNP rs276174810, ClinGen allele CA012611.
Genomic context (GRCh38, chr13:32,333,078, plus strand): 5'-GAGACTTTCAATGCAAGTTTTTCAGGTCATATGACTGATCCAAACTTTAAAAAAGAAACT[G>A]AAGCCTCTGAAAGTGGACTGGAAATACATACTGTTTGCTCACAGAAGGAGGACTCCTTAT-3'
Protein context (NP_000050.3, residues 524-544): MTDPNFKKET[Glu534Lys]ASESGLEIHT

ClinVar aggregate classification (germline): Conflicting classifications of pathogenicity. Review status: criteria provided, conflicting classifications (1 of 4 stars). 12 submissions from 12 submitters: Uncertain significance (7); Likely benign (2). 3 of the submissions do not count toward it. Last evaluated 2025-11-04.

Conditions:
BRCA2-related cancer predisposition. Identifiers: MedGen CN377758, MONDO:0700269.
Hereditary cancer-predisposing syndrome. Also called: Hereditary neoplastic syndrome; Neoplastic Syndromes, Hereditary; Tumor predisposition; Hereditary Cancer Syndrome. Identifiers: Orphanet 140162, MedGen C0027672, MeSH D009386, MONDO:0015356.
Hereditary breast ovarian cancer syndrome. Also called: Breast and ovarian cancer; Hereditary breast and ovarian cancer syndrome; Hereditary breast and/or ovarian cancer syndrome; BRCA1- and BRCA2-Associated Hereditary Breast and Ovarian Cancer; Hereditary breast and ovarian cancer; Hereditary breast and ovarian cancer syndrome (HBOC). Identifiers: Orphanet 145, MedGen C0677776, MeSH D061325, MONDO:0003582. Disease mechanism: loss of function.
Breast-ovarian cancer, familial, susceptibility to, 2 (BROVCA2). Also called: BRCA2 Hereditary Breast and Ovarian Cancer. Identifiers: Orphanet 145, MedGen C2675520, MONDO:0012933, OMIM 612555. Disease mechanism: loss of function.

Allele frequency attached by ClinVar (database versions not stated): gnomAD exomes below 0.00001 and 0.00002; TOPMed below 0.00001; gnomAD 0.00001 and 0.00002; ExAC 0.00003; 1000 Genomes Project 0.00020; 1000 Genomes Project 30x 0.00031.
gnomAD v4.1: 6 of 1,611,696 alleles (0.00037%); highest among the groups gnomAD compares: East Asian, 0.013%; no homozygotes.

Submissions (12):

Labcorp Genetics (formerly Invitae), Labcorp
Classification: Likely benign for Hereditary breast ovarian cancer syndrome. Last evaluated: 2025-11-04. Review status: criteria provided, single submitter. Criteria: Invitae Variant Classification Sherloc (09022015). Collection method: clinical testing. Allele origin: germline.

Color Diagnostics, LLC DBA Color Health
Classification: Uncertain significance for Hereditary cancer-predisposing syndrome. Last evaluated: 2025-10-14. Review status: criteria provided, single submitter. Criteria: ACMG Guidelines, 2015. Collection method: clinical testing. Allele origin: germline.
Comment: This missense variant replaces glutamic acid with lysine at codon 534 of the BRCA2 protein. Computational prediction suggests that this variant may not impact protein structure and function. To our knowledge, functional studies have not been reported for this variant. This variant has been reported in an individual affected with breast cancer and detected in a breast cancer case-control meta-analysis in 1/60466 cases and 2/53461 unaffected individuals (PMID: 18627636, 33471991LOVD DB-ID BRCA2_007646). Multifactorial analysis reached a combined likelihood ratio (LR) of 0.0224924 based on personal and family history LR for 1 carrier and case-control LR (PMID: 31853058, 40413188). This variant has been identified in 6/1611696 chromosomes in the general population by the Genome Aggregation Database (gnomAD). The available evidence is insufficient to determine the role of this variant in disease conclusively. Therefore, this variant is classified as a Variant of Uncertain Significance.

Quest Diagnostics Nichols Institute San Juan Capistrano
Classification: Uncertain significance. Last evaluated: 2025-02-17. Review status: criteria provided, single submitter. Criteria: Quest Diagnostics criteria. Collection method: clinical testing. Allele origin: unknown.
Comment: The BRCA2 c.1600G>A (p.Glu534Lys) variant has been reported in the published literature in individuals with breast cancer (PMIDs: 18627636 (2008), 33314489 (2021), 33471991 (2021), see also LOVD), as well as in healthy controls (PMIDs: 32467295 (2020), 33314489 (2021), 33471991 (2021)). A functional study suggested that this variant does not significantly affect cell survival and sensitivity to DNA damaging agents (PMID: 33314489 (2021)). The frequency of this variant in the general population (Genome Aggregation Database) is uninformative in the assessment of its pathogenicity. Analysis of this variant using bioinformatics tools for the prediction of the effect of amino acid changes on protein structure and function yielded predictions that this variant is benign. Based on the available information, we are unable to determine the clinical significance of this variant.

All of Us Research Program, National Institutes of Health
Classification: Uncertain significance for BRCA2-related cancer predisposition. Last evaluated: 2024-06-17. Review status: criteria provided, single submitter. Criteria: ACMG Guidelines, 2015. Collection method: clinical testing. Allele origin: germline. Inheritance: Autosomal dominant inheritance. Observed: 3 variant alleles, 3 heterozygotes.
Comment: This missense variant replaces glutamic acid with lysine at codon 534 of the BRCA2 protein. Computational prediction suggests that this variant may not impact protein structure and function (internally defined REVEL score threshold <= 0.5, PMID: 27666373). A functional study has shown this variant does not impact cell viability or sensitivity to DNA-damaging agents (PMID: 33314489). This variant has been reported in at least two individuals affected with breast cancer and two unaffected individuals (PMID: 18627636, 33314489, 33471991; Leiden Open Variation Database DB-ID BRCA2_007646). This variant has been identified in 4/248706 chromosomes in the general population by the Genome Aggregation Database (gnomAD). The available evidence is insufficient to determine the role of this variant in disease conclusively. Therefore, this variant is classified as a Variant of Uncertain Significance.

This study involves interpretation of variants in research participants for the purpose of population health screening. Participant phenotype was not available at the time of variant classification. Additional details can be found in publication PMID: 35346344, PMCID: PMC8962531

Ambry Genetics
Classification: Uncertain significance for Hereditary cancer-predisposing syndrome. Last evaluated: 2024-05-15. Review status: criteria provided, single submitter. Criteria: Ambry Variant Classification Scheme 2023. Collection method: clinical testing. Allele origin: germline.
Comment: The p.E534K variant (also known as c.1600G>A), located in coding exon 9 of the BRCA2 gene, results from a G to A substitution at nucleotide position 1600. The glutamic acid at codon 534 is replaced by lysine, an amino acid with similar properties. This alteration was observed in a series of 187 Malaysian women with breast cancer who were diagnosed under age 40 or had strong family history of breast or ovarian cancer (Thirthagiri E etal. Breast Cancer Res. 2008;10:R5 9). This amino acid position is not well conserved in available vertebrate species. In addition, this alteration is predicted to be tolerated by in silico analysis. Based on the available evidence, the clinical significance of this variant remains unclear.

Blueprint Genetics
Classification: Uncertain significance. Last evaluated: 2023-12-27. Review status: criteria provided, single submitter. Criteria: ACMG Guidelines, 2015. Collection method: clinical testing. Allele origin: germline.

GeneDx
Classification: Uncertain significance. Last evaluated: 2023-11-20. Review status: criteria provided, single submitter. Criteria: GeneDx Variant Classification Process June 2021. Collection method: clinical testing. Allele origin: germline. Affected: yes.
Comment: Published functional studies demonstrate no damaging effect: ability to rescue cell lethality and exhibited no sensitivity to DNA damaging agents in a mouse embryonic stem cell (mESC)-based assay (PMID: 33314489); Not observed at significant frequency in large population cohorts (gnomAD); In silico analysis supports that this missense variant does not alter protein structure/function; Also known as 1828G>A; This variant is associated with the following publications: (PMID: 18627636, 33471991, 32377563, 29884841, 31853058, 32467295, 33314489)

Women's Health and Genetics/Laboratory Corporation of America, LabCorp
Classification: Uncertain significance. Last evaluated: 2023-06-22. Review status: criteria provided, single submitter. Criteria: LabCorp Variant Classification Summary - May 2015. Collection method: clinical testing. Allele origin: germline.
Comment: Variant summary: BRCA2 c.1600G>A (p.Glu534Lys) results in a conservative amino acid change in the encoded protein sequence. Five of five in-silico tools predict a benign effect of the variant on protein function. The variant allele was found at a frequency of 3.7e-05 in 271478 control chromosomes (gnomAD, Dong_2021). This frequency is not significantly higher than estimated for a pathogenic variant in BRCA2 causing Hereditary Breast And Ovarian Cancer Syndrome (3.7e-05 vs 0.00075), allowing no conclusion about variant significance. c.1600G>A has been reported in the literature in individuals affected withbreast cancer without any evidence for causality (Thirthagiri_2008, Dorling_2021, Sullivan_2021), therefore, these reports do not provide unequivocal conclusions about association of the variant with Hereditary Breast And Ovarian Cancer Syndrome. One publication using Brca2 deficient mouse embryonic stem cells showed no damaging effects of this variant: the variant could rescue cell viability and was not sensative to DNA damaging agents (Sullivan_2021). The following publications have been ascertained in the context of this evaluation (PMID: 32467295, 33314489, 18627636, 33471991). Seven ClinVar submitters have assessed this variant since 2014: six classified the variant as uncertain significance and one as likely benign. Based on the evidence outlined above, the variant was classified as uncertain significance.

University of Washington Department of Laboratory Medicine, University of Washington
Classification: Likely benign for Hereditary cancer-predisposing syndrome. Last evaluated: 2023-03-23. Review status: criteria provided, single submitter. Criteria: Dines et al. (Genet Med. 2020). Collection method: curation. Allele origin: germline.
Comment: Missense variant in a coldspot region where missense variants are very unlikely to be pathogenic (PMID:31911673).

BRCA2 exon 10 coldspot. Reclassification based on statistical prior probability.

Counsyl
Classification: Uncertain significance for Breast-ovarian cancer, familial, susceptibility to, 2. Last evaluated: 2017-10-16. Review status: no assertion criteria provided. Collection method: clinical testing. Allele origin: unknown. Not counted in ClinVar's aggregate classification.

Breast Cancer Information Core (BIC) (BRCA2)
Classification: Uncertain significance for Breast-ovarian cancer, familial 2. Last evaluated: 2010-09-18. Review status: no assertion criteria provided. Collection method: clinical testing. Allele origin: germline. Affected: yes. Observed: 1 variant allele. Not counted in ClinVar's aggregate classification.

Sharing Clinical Reports Project (SCRP)
Classification: Uncertain significance for Breast-ovarian cancer, familial 2. Last evaluated: 2010-07-12. Review status: no assertion criteria provided. Collection method: clinical testing. Allele origin: germline. Not counted in ClinVar's aggregate classification.

Literature cited by the submitters: PubMed 18627636 (cited by 5 submitters); PubMed 31853058 (cited by Color Diagnostics, LLC DBA Color Health); PubMed 33471991 (cited by 4 submitters); PubMed 40413188 (cited by Color Diagnostics, LLC DBA Color Health); PubMed 31911673 (cited by Quest Diagnostics Nichols Institute San Juan Capistrano); PubMed 32467295 (cited by Quest Diagnostics Nichols Institute San Juan Capistrano and Women's Health and Genetics/Laboratory Corporation of America, LabCorp); PubMed 33314489 (cited by 3 submitters).